The following is an entry in ClinVar:

NM_018051.5(DYNC2I1):c.1604G>A (p.Cys535Tyr)

Gene: DYNC2I1 (dynein 2 intermediate chain 1; plus strand). Cytogenetic location: 7q36.3.
Variant type: single nucleotide variant.
Coding change: c.1604G>A on transcript NM_018051.5 (MANE Select); coding-DNA position 1604, G replaced by A.
Protein change: p.Cys535Tyr; replaces cysteine 535 with tyrosine.
Molecular consequence: missense variant.
Genome position (GRCh38, 1-based): chr7:158,912,998, G>A. VCF-style: chr7-158912998-G-A. GRCh37 (hg19) VCF-style: chr7-158705689-G-A.
Other names: c.1466G>A, p.Cys489Tyr (NM_001350914.2); c.1031G>A, p.Cys344Tyr (NM_001350915.2); c.143G>A, p.Cys48Tyr (NM_001350916.2); c.356G>A, p.Cys119Tyr (NM_001350917.2, NM_001350918.2); short protein forms C119Y, C344Y, C489Y, C48Y, C535Y.
Identifiers: ClinVar variation 1680682 (VCV001680682.8), dbSNP rs2129484911, ClinGen allele CA370190923.

ClinVar aggregate classification (germline): Uncertain significance (1 of 4 stars; one submission).

Conditions:
Short-rib thoracic dysplasia 8 with or without polydactyly (SRTD8). Also called: SHORT-RIB THORACIC DYSPLASIA 8 WITH POLYDACTYLY. Identifiers: Orphanet 93271, MedGen C3809691, MONDO:0014214, OMIM 615503.

Submission:

Labcorp Genetics (formerly Invitae), Labcorp
Classification: Uncertain significance for Short-rib thoracic dysplasia 8 with or without polydactyly. Last evaluated: 2021-02-21. Review status: criteria provided, single submitter. Criteria: Invitae Variant Classification Sherloc (09022015). Collection method: clinical testing. Allele origin: germline.
Comment: Algorithms developed to predict the effect of missense changes on protein structure and function output the following: SIFT: "Tolerated"; PolyPhen-2: "Benign"; Align-GVGD: "Class C0". The tyrosine amino acid residue is found in multiple mammalian species, suggesting that this missense change does not adversely affect protein function. These predictions have not been confirmed by published functional studies and their clinical significance is uncertain. In summary, the available evidence is currently insufficient to determine the role of this variant in disease. Therefore, it has been classified as a Variant of Uncertain Significance. This sequence change replaces cysteine with tyrosine at codon 535 of the WDR60 protein (p.Cys535Tyr). The cysteine residue is moderately conserved and there is a large physicochemical difference between cysteine and tyrosine. This variant is not present in population databases (ExAC no frequency). This variant has not been reported in the literature in individuals with WDR60-related conditions.